The following is an entry in ClinVar:

NM_001042492.3(NF1):c.5152C>G (p.His1718Asp)

Gene: NF1 (neurofibromin 1; plus strand). Cytogenetic location: 17q11.2.
Variant type: single nucleotide variant.
Coding change: c.5152C>G on transcript NM_001042492.3 (MANE Select); coding-DNA position 5152, C replaced by G.
Protein change: p.His1718Asp; replaces histidine 1718 with aspartic acid.
Molecular consequence: missense variant.
Genome position (GRCh38, 1-based): chr17:31,326,136, C>G. VCF-style: chr17-31326136-C-G. GRCh37 (hg19) VCF-style: chr17-29653154-C-G.
Other names: c.5089C>G, p.His1697Asp (NM_000267.4); short protein forms H1718D, H1697D.
Identifiers: ClinVar variation 2876975 (VCV002876975.3), dbSNP rs1555533381, ClinGen allele CA399007811.
Genomic context (GRCh38, chr17:31,326,136, plus strand): 5'-ACTGGCCTCAAAGGTAGCAAAAGGCTTGTTTTCATAGACTGTCCTGGGAAACTGGCTGAG[C>G]ACATAGAGCATGAACAACAGAAACTACCTGCTGCCACCTTGGCTTTAGAAGAGGACCTGA-3'
Protein context (NP_001035957.1, residues 1708-1728): FIDCPGKLAE[His1718Asp]IEHEQQKLPA

ClinVar aggregate classification (germline): Uncertain significance (1 of 4 stars; one submission).

Conditions:
Neurofibromatosis, type 1 (NF1). Also called: Peripheral type neurofibromatosis; Neurofibromatosis, type I; VON RECKLINGHAUSEN DISEASE; NEUROFIBROMATOSIS, TYPE I, SOMATIC. Identifiers: Orphanet 636, MedGen C0027831, MONDO:0018975, OMIM 162200. Disease mechanism: loss of function.

Submission:

Labcorp Genetics (formerly Invitae), Labcorp
Classification: Uncertain significance for Neurofibromatosis, type 1. Last evaluated: 2023-09-06. Review status: criteria provided, single submitter. Criteria: Invitae Variant Classification Sherloc (09022015). Collection method: clinical testing. Allele origin: germline.
Comment: In summary, the available evidence is currently insufficient to determine the role of this variant in disease. Therefore, it has been classified as a Variant of Uncertain Significance. Advanced modeling of protein sequence and biophysical properties (such as structural, functional, and spatial information, amino acid conservation, physicochemical variation, residue mobility, and thermodynamic stability) has been performed at Invitae for this missense variant, however the output from this modeling did not meet the statistical confidence thresholds required to predict the impact of this variant on NF1 protein function. This variant has not been reported in the literature in individuals affected with NF1-related conditions. This variant is not present in population databases (gnomAD no frequency). This sequence change replaces histidine, which is basic and polar, with aspartic acid, which is acidic and polar, at codon 1697 of the NF1 protein (p.His1697Asp).